The following is an entry in ClinVar:

ClinVar aggregate classification (germline): Pathogenic (1 of 4 stars; one submission).

Submission:

Labcorp Genetics (formerly Invitae), Labcorp
Classification: Pathogenic. Last evaluated: 2023-11-04. Review status: criteria provided, single submitter. Criteria: Invitae Variant Classification Sherloc (09022015). Collection method: clinical testing. Allele origin: germline.
Comment: This sequence change creates a premature translational stop signal (p.Cys399*) in the UBE3B gene. It is expected to result in an absent or disrupted protein product. Loss-of-function variants in UBE3B are known to be pathogenic (PMID: 23687348, 24615390). The frequency data for this variant in the population databases is considered unreliable, as metrics indicate poor data quality at this position in the gnomAD database. This variant has not been reported in the literature in individuals affected with UBE3B-related conditions. For these reasons, this variant has been classified as Pathogenic.

Literature cited by the submitters: PubMed 23687348; PubMed 24615390.

NM_130466.4(UBE3B):c.1197_1206del (p.Phe398_Cys399insTer)

Gene: UBE3B (ubiquitin protein ligase E3B; plus strand). Cytogenetic location: 12q24.11.
Variant type: Deletion.
Coding change: c.1197_1206del on transcript NM_130466.4 (MANE Select); coding-DNA positions 1197 to 1206, 10 bases deleted (TGACATCCTG; older notation c.1197_1206delTGACATCCTG).
Protein change: p.Phe398_Cys399insTer.
Molecular consequence: nonsense.
Genome position (GRCh38, 1-based): chr12:109,501,449-109,501,458, TGACATCCTG deleted; deleting any 10 consecutive bases within chr12:109,501,446-109,501,458 gives the same sequence; the c. name uses the placement nearest the transcript's 3' end. VCF-style (leftmost placement, unchanged base first): chr12-109501445-TCTGTGACATC-T. GRCh37 (hg19) VCF-style: chr12-109939250-TCTGTGACATC-T.
Other names: c.1197_1206del, p.Phe398_Cys399insTer (NM_183415.3).
Identifiers: ClinVar variation 2693281 (VCV002693281.3), dbSNP rs1365879789, ClinGen allele CA607601729.
Genomic context (GRCh38, chr12:109,501,445, plus strand): 5'-TGCACTTGATCACCAAACAGCTGCAGTTCTTGTGGGGGGTGCCTCTGATCCGGATCTTCT[TCTGTGACATC>T]CTGAGCAAGAAGCTACTGGAGAGCCAGGAGCCAGCCCACGCACAGCCAGCATCCCCTCAG-3'